The following is an entry in ClinVar:

ClinVar aggregate classification (germline): Uncertain significance (1 of 4 stars; one submission).

Conditions:
Inborn genetic diseases. Identifiers: MedGen C0950123, MeSH D030342.

Submission:

Ambry Genetics
Classification: Uncertain significance for Inborn genetic diseases. Last evaluated: 2025-08-14. Review status: criteria provided, single submitter. Criteria: Ambry Variant Classification Scheme 2023. Collection method: clinical testing. Allele origin: germline.
Comment: The p.G877A variant (also known as c.2630G>C), located in coding exon 23 of the ANKRD26 gene, results from a G to C substitution at nucleotide position 2630. The glycine at codon 877 is replaced by alanine, an amino acid with similar properties. This amino acid position is conserved. In addition, this alteration is predicted to be tolerated by in silico analysis. Based on the available evidence, the clinical significance of this variant remains unclear.

NM_014915.3(ANKRD26):c.2630G>C (p.Gly877Ala)

Gene: ANKRD26 (ankyrin repeat domain containing 26; minus strand). Cytogenetic location: 10p12.1.
Variant type: single nucleotide variant.
Coding change: c.2630G>C on transcript NM_014915.3 (MANE Select); coding-DNA position 2630, G replaced by C.
Protein change: p.Gly877Ala; replaces glycine 877 with alanine.
Molecular consequence: missense variant.
Genome position (GRCh38, 1-based): chr10:27,037,253, C>G on the plus strand (G>C on the coding strand, the complement: ANKRD26 is on the minus strand). VCF-style: chr10-27037253-C-G. GRCh37 (hg19) VCF-style: chr10-27326182-C-G.
Other names: c.2627G>C, p.Gly876Ala (NM_001256053.2); short protein forms G876A, G877A.
Identifiers: ClinVar variation 4104183 (VCV004104183.1).